The following is an entry in ClinVar:

ClinVar aggregate classification (germline): Uncertain significance (1 of 4 stars; one submission).

Conditions:
Hereditary cancer-predisposing syndrome. Also called: Hereditary Cancer Syndrome; Tumor predisposition; Hereditary neoplastic syndrome; Neoplastic Syndromes, Hereditary. Identifiers: Orphanet 140162, MedGen C0027672, MeSH D009386, MONDO:0015356.

gnomAD v4.1: 3 of 1,613,994 alleles (0.00019%); highest among the groups gnomAD compares: Non-Finnish European, 0.00025%; no homozygotes.

Submission:

Ambry Genetics
Classification: Uncertain significance for Hereditary cancer-predisposing syndrome. Last evaluated: 2024-12-06. Review status: criteria provided, single submitter. Criteria: Ambry Variant Classification Scheme 2023. Collection method: clinical testing. Allele origin: germline.
Comment: The p.A438E variant (also known as c.1313C>A), located in coding exon 8 of the MSH3 gene, results from a C to A substitution at nucleotide position 1313. The alanine at codon 438 is replaced by glutamic acid, an amino acid with dissimilar properties. This amino acid position is conserved. In addition, this alteration is predicted to be tolerated by in silico analysis. Based on the available evidence, the clinical significance of this variant remains unclear.

NM_002439.5(MSH3):c.1313C>A (p.Ala438Glu)

Gene: MSH3 (mutS homolog 3; plus strand). Cytogenetic location: 5q14.1.
Variant type: single nucleotide variant.
Coding change: c.1313C>A on transcript NM_002439.5 (MANE Select); coding-DNA position 1313, C replaced by A.
Protein change: p.Ala438Glu; replaces alanine 438 with glutamic acid.
Molecular consequence: missense variant.
Genome position (GRCh38, 1-based): chr5:80,679,066, C>A. VCF-style: chr5-80679066-C-A. GRCh37 (hg19) VCF-style: chr5-79974885-C-A.
Other names: short protein forms A438E.
Identifiers: ClinVar variation 3398784 (VCV003398784.1).